The following is an entry in ClinVar:

NM_001102564.3(IFT43):c.208G>A (p.Ala70Thr)

Gene: IFT43 (intraflagellar transport 43; plus strand). Cytogenetic location: 14q24.3.
Variant type: single nucleotide variant.
Coding change: c.208G>A on transcript NM_001102564.3 (MANE Select); coding-DNA position 208, G replaced by A.
Protein change: p.Ala70Thr; replaces alanine 70 with threonine.
Molecular consequence: missense variant. On other transcripts: non-coding transcript variant (2).
Genome position (GRCh38, 1-based): chr14:76,022,387, G>A. VCF-style: chr14-76022387-G-A. GRCh37 (hg19) VCF-style: chr14-76488730-G-A.
Other names: c.208G>A, p.Ala70Thr (NM_001255995.3, NM_052873.3); short protein forms A70T.
Identifiers: ClinVar variation 3781105 (VCV003781105.1).
Genomic context (GRCh38, chr14:76,022,387, plus strand): 5'-ACTTCCTCTGCTAAATTACCTCGCTGCCGACAGGGAGGCTGGGCAGGTGATTCCGTGAAG[G>A]CTTCGAAGTGAGTACCAGCAGCTCATAAGAGTATGGGTGGGGGTGCACACGGTTGGGGGG-3'
Protein context (NP_001096034.1, residues 60-80): QGGWAGDSVK[Ala70Thr]SKFRRKASEE

ClinVar aggregate classification (germline): Uncertain significance (1 of 4 stars; one submission).

gnomAD v4.1: 2 of 1,601,896 alleles (0.00012%); highest among the groups gnomAD compares: African/African-American, 0.0027%; no homozygotes.

Submission:

GeneDx
Classification: Uncertain significance. Last evaluated: 2024-10-15. Review status: criteria provided, single submitter. Criteria: GeneDx Variant Classification Process June 2021. Collection method: clinical testing. Allele origin: germline. Affected: yes.
Comment: Not observed at significant frequency in large population cohorts (gnomAD); In silico analysis indicates that this missense variant does not alter protein structure/function; Has not been previously published as pathogenic or benign to our knowledge